The following is an entry in ClinVar:

ClinVar aggregate classification (germline): Uncertain significance. Review status: criteria provided, multiple submitters, no conflicts (2 of 4 stars). 2 submissions from 2 submitters: Uncertain significance (2). Last evaluated 2022-10-19.

Conditions:
DICER1-related tumor predisposition. Also called: DICER1 syndrome; DICER1-related pleuropulmonary blastoma cancer predisposition syndrome. Identifiers: Orphanet 284343, MedGen C3839822, MONDO:0100216.
Hereditary cancer-predisposing syndrome. Also called: Neoplastic Syndromes, Hereditary; Tumor predisposition; Hereditary Cancer Syndrome; Hereditary neoplastic syndrome. Identifiers: Orphanet 140162, MedGen C0027672, MeSH D009386, MONDO:0015356.

Submissions (2):

Ambry Genetics
Classification: Uncertain significance for Hereditary cancer-predisposing syndrome. Last evaluated: 2022-10-19. Review status: criteria provided, single submitter. Criteria: Ambry Variant Classification Scheme 2023. Collection method: clinical testing. Allele origin: germline.
Comment: The p.S1232I variant (also known as c.3695G>T), located in coding exon 20 of the DICER1 gene, results from a G to T substitution at nucleotide position 3695. The serine at codon 1232 is replaced by isoleucine, an amino acid with dissimilar properties. This amino acid position is conserved. In addition, the in silico prediction for this alteration is inconclusive. Since supporting evidence is limited at this time, the clinical significance of this alteration remains unclear.

Labcorp Genetics (formerly Invitae), Labcorp
Classification: Uncertain significance for DICER1-related tumor predisposition. Last evaluated: 2022-09-15. Review status: criteria provided, single submitter. Criteria: Invitae Variant Classification Sherloc (09022015). Collection method: clinical testing. Allele origin: germline.
Comment: This sequence change replaces serine, which is neutral and polar, with isoleucine, which is neutral and non-polar, at codon 1232 of the DICER1 protein (p.Ser1232Ile). This variant is not present in population databases (gnomAD no frequency). This variant has not been reported in the literature in individuals affected with DICER1-related conditions. Algorithms developed to predict the effect of missense changes on protein structure and function (SIFT, PolyPhen-2, Align-GVGD) all suggest that this variant is likely to be tolerated. In summary, the available evidence is currently insufficient to determine the role of this variant in disease. Therefore, it has been classified as a Variant of Uncertain Significance.

NM_177438.3(DICER1):c.3695G>T (p.Ser1232Ile)

Gene: DICER1 (dicer 1, ribonuclease III; minus strand). Cytogenetic location: 14q32.13.
Variant type: single nucleotide variant.
Coding change: c.3695G>T on transcript NM_177438.3 (MANE Select); coding-DNA position 3695, G replaced by T.
Protein change: p.Ser1232Ile; replaces serine 1232 with isoleucine.
Molecular consequence: missense variant. On other transcripts: non-coding transcript variant (6).
Genome position (GRCh38, 1-based): chr14:95,103,701, C>A on the plus strand (G>T on the coding strand, the complement: DICER1 is on the minus strand). VCF-style: chr14-95103701-C-A. GRCh37 (hg19) VCF-style: chr14-95570038-C-A.
Other names: c.3695G>T, p.Ser1232Ile (NM_001195573.1, NM_001271282.3, NM_001291628.2 and 13 more transcripts); c.3413G>T, p.Ser1138Ile (NM_001395686.1); c.3290G>T, p.Ser1097Ile (NM_001395687.1, NM_001395688.1, NM_001395689.1 and 2 more transcripts); c.3128G>T, p.Ser1043Ile (NM_001395691.1); c.2012G>T, p.Ser671Ile (NM_001395697.1); short protein forms S1097I, S1043I, S1232I, S671I, S1138I.
Identifiers: ClinVar variation 1733994 (VCV001733994.7), dbSNP rs1060503597, ClinGen allele CA390874320.